The following is an entry in ClinVar:

ClinVar aggregate classification (germline): Uncertain significance. Review status: criteria provided, multiple submitters, no conflicts (2 of 4 stars). 2 submissions from 2 submitters: Uncertain significance (2). Last evaluated 2025-08-29.

Conditions:
Developmental and epileptic encephalopathy, 11 (DEE11). Also called: Early infantile epileptic encephalopathy 11. Identifiers: Orphanet 1934, MedGen C3150987, MONDO:0013388, OMIM 613721.
Seizures, benign familial infantile, 3 (BFIS3). Also called: CONVULSIONS, BENIGN FAMILIAL INFANTILE, 3; Familial neonatal seizures. Identifiers: Orphanet 140927, Orphanet 306, MedGen C1843140, MONDO:0011904, OMIM 607745.
Inborn genetic diseases. Identifiers: MedGen C0950123, MeSH D030342.

Submissions (2):

Labcorp Genetics (formerly Invitae), Labcorp
Classification: Uncertain significance for Seizures, benign familial infantile, 3; Developmental and epileptic encephalopathy, 11. Last evaluated: 2025-08-29. Review status: criteria provided, single submitter. Criteria: Invitae Variant Classification Sherloc (09022015). Collection method: clinical testing. Allele origin: germline.
Comment: This sequence change replaces isoleucine, which is neutral and non-polar, with threonine, which is neutral and polar, at codon 969 of the SCN2A protein (p.Ile969Thr). This variant is not present in population databases (gnomAD no frequency). This missense change has been observed in individual(s) with clinical features of SCN2A-related conditions (internal data). ClinVar contains an entry for this variant (Variation ID: 3793185). Invitae Evidence Modeling of protein sequence and biophysical properties (such as structural, functional, and spatial information, amino acid conservation, physicochemical variation, residue mobility, and thermodynamic stability) indicates that this missense variant is expected to disrupt SCN2A protein function with a positive predictive value of 95%. In summary, the available evidence is currently insufficient to determine the role of this variant in disease. Therefore, it has been classified as a Variant of Uncertain Significance.

Ambry Genetics
Classification: Uncertain significance for Inborn genetic diseases. Last evaluated: 2025-05-14. Review status: criteria provided, single submitter. Criteria: Ambry Variant Classification Scheme 2023. Collection method: clinical testing. Allele origin: germline.
Comment: The c.2906T>C (p.I969T) alteration is located in exon 16 (coding exon 15) of the SCN2A gene. This alteration results from a T to C substitution at nucleotide position 2906, causing the isoleucine (I) at amino acid position 969 to be replaced by a threonine (T). This variant was not reported in population-based cohorts in the Genome Aggregation Database (gnomAD). This amino acid position is highly conserved in available vertebrate species. This missense alteration is located in a region that has a low rate of benign missense variation (Lek, 2016; Firth, 2009). This alteration is predicted to be deleterious by in silico analysis. Based on insufficient or conflicting evidence, the clinical significance of this alteration remains unclear.

NM_001040142.2(SCN2A):c.2906T>C (p.Ile969Thr)

Gene: SCN2A (sodium voltage-gated channel alpha subunit 2; plus strand). Cytogenetic location: 2q24.3.
Variant type: single nucleotide variant.
Coding change: c.2906T>C on transcript NM_001040142.2 (MANE Select); coding-DNA position 2906, T replaced by C.
Protein change: p.Ile969Thr; replaces isoleucine 969 with threonine.
Molecular consequence: missense variant.
Genome position (GRCh38, 1-based): chr2:165,344,898, T>C. VCF-style: chr2-165344898-T-C. GRCh37 (hg19) VCF-style: chr2-166201408-T-C.
Other names: c.2906T>C, p.Ile969Thr (NM_001040143.2, NM_001371246.1, NM_001371247.1 and 1 more transcripts); short protein forms I969T.
Identifiers: ClinVar variation 3793185 (VCV003793185.3).